The following is an entry in ClinVar:

ClinVar aggregate classification (germline): Uncertain significance (1 of 4 stars; one submission).

Allele frequency attached by ClinVar (database versions not stated): gnomAD 0.00002; gnomAD exomes 0.00003 and 0.00006; TOPMed 0.00003; ExAC 0.00004.
gnomAD v4.1: 20 of 1,612,360 alleles (0.0012%); highest among the groups gnomAD compares: Admixed American, 0.033%; no homozygotes.

Submission:

Labcorp Genetics (formerly Invitae), Labcorp
Classification: Uncertain significance. Last evaluated: 2023-10-22. Review status: criteria provided, single submitter. Criteria: Invitae Variant Classification Sherloc (09022015). Collection method: clinical testing. Allele origin: germline.
Comment: This sequence change replaces arginine, which is basic and polar, with lysine, which is basic and polar, at codon 1156 of the MYO18B protein (p.Arg1156Lys). This variant is present in population databases (rs770804583, gnomAD 0.05%). This variant has not been reported in the literature in individuals affected with MYO18B-related conditions. ClinVar contains an entry for this variant (Variation ID: 1389386). An algorithm developed to predict the effect of missense changes on protein structure and function (PolyPhen-2) suggests that this variant is likely to be disruptive. In summary, the available evidence is currently insufficient to determine the role of this variant in disease. Therefore, it has been classified as a Variant of Uncertain Significance.

NM_032608.7(MYO18B):c.3467G>A (p.Arg1156Lys)

Gene: MYO18B (myosin XVIIIB; plus strand). Cytogenetic location: 22q12.1.
Variant type: single nucleotide variant.
Coding change: c.3467G>A on transcript NM_032608.7 (MANE Select); coding-DNA position 3467, G replaced by A.
Protein change: p.Arg1156Lys; replaces arginine 1156 with lysine.
Molecular consequence: missense variant.
Genome position (GRCh38, 1-based): chr22:25,846,198, G>A. VCF-style: chr22-25846198-G-A. GRCh37 (hg19) VCF-style: chr22-26242165-G-A.
Other names: c.3470G>A, p.Arg1157Lys (NM_001318245.2); short protein forms R1156K, R1157K.
Identifiers: ClinVar variation 1389386 (VCV001389386.4), dbSNP rs770804583, ClinGen allele CA10160569.